The following is an entry in ClinVar:

NM_182914.3(SYNE2):c.19658G>A (p.Gly6553Asp)

Gene: SYNE2 (spectrin repeat containing nuclear envelope protein 2; plus strand). Cytogenetic location: 14q23.2.
Variant type: single nucleotide variant.
Coding change: c.19658G>A on transcript NM_182914.3 (MANE Select); coding-DNA position 19658, G replaced by A.
Protein change: p.Gly6553Asp; replaces glycine 6553 with aspartic acid.
Molecular consequence: missense variant.
Genome position (GRCh38, 1-based): chr14:64,219,208, G>A. VCF-style: chr14-64219208-G-A. GRCh37 (hg19) VCF-style: chr14-64685926-G-A.
Other names: c.19589G>A, p.Gly6530Asp (NM_015180.6); c.182G>A, p.Gly61Asp (NM_182910.2); c.560G>A, p.Gly187Asp (NM_182913.4); short protein forms G187D, G6553D, G61D, G6530D.
Identifiers: ClinVar variation 1039382 (VCV001039382.8), dbSNP rs1005373982, ClinGen allele CA389963352.

ClinVar aggregate classification (germline): Uncertain significance (1 of 4 stars; one submission).

Conditions:
Emery-Dreifuss muscular dystrophy 5, autosomal dominant (EDMD5). Also called: EMERY-DREIFUSS MUSCULAR DYSTROPHY 5. Identifiers: Orphanet 261, MedGen C2751805, MONDO:0013072, OMIM 612999.

Allele frequency attached by ClinVar (database versions not stated): TOPMed 0.00001.

Submission:

Labcorp Genetics (formerly Invitae), Labcorp
Classification: Uncertain significance for Emery-Dreifuss muscular dystrophy 5, autosomal dominant. Last evaluated: 2021-08-17. Review status: criteria provided, single submitter. Criteria: Invitae Variant Classification Sherloc (09022015). Collection method: clinical testing. Allele origin: germline.
Comment: This sequence change replaces glycine with aspartic acid at codon 6553 of the SYNE2 protein (p.Gly6553Asp). The glycine residue is weakly conserved and there is a moderate physicochemical difference between glycine and aspartic acid. This variant is not present in population databases (ExAC no frequency). This variant has not been reported in the literature in individuals with SYNE2-related conditions. Algorithms developed to predict the effect of missense changes on protein structure and function are either unavailable or do not agree on the potential impact of this missense change (SIFT: "Tolerated"; PolyPhen-2: "Probably Damaging"; Align-GVGD: "Class C0"). In summary, the available evidence is currently insufficient to determine the role of this variant in disease. Therefore, it has been classified as a Variant of Uncertain Significance.